The following is an entry in ClinVar:

ClinVar aggregate classification (germline): Uncertain significance. Review status: criteria provided, multiple submitters, no conflicts (2 of 4 stars). 2 submissions from 2 submitters: Uncertain significance (2). Last evaluated 2025-12-22.

Conditions:
Inborn genetic diseases. Identifiers: MedGen C0950123, MeSH D030342.

Allele frequency attached by ClinVar (database versions not stated): gnomAD exomes below 0.00001.
gnomAD v4.1: 3 of 1,613,936 alleles (0.00019%); highest among the groups gnomAD compares: East Asian, 0.0022%; no homozygotes.

Submissions (2):

Ambry Genetics
Classification: Uncertain significance for Inborn genetic diseases. Last evaluated: 2025-12-22. Review status: criteria provided, single submitter. Criteria: Ambry Variant Classification Scheme 2023. Collection method: clinical testing. Allele origin: germline.

GeneDx
Classification: Uncertain significance. Last evaluated: 2023-08-25. Review status: criteria provided, single submitter. Criteria: GeneDx Variant Classification Process June 2021. Collection method: clinical testing. Allele origin: germline.
Comment: Has not been previously published as pathogenic or benign to our knowledge; Not observed at significant frequency in large population cohorts (gnomAD); In silico analysis supports that this missense variant has a deleterious effect on protein structure/function

NM_001127222.2(CACNA1A):c.3728G>A (p.Arg1243His)

Gene: CACNA1A (calcium voltage-gated channel subunit alpha1 A; minus strand). Cytogenetic location: 19p13.13.
Variant type: single nucleotide variant.
Coding change: c.3728G>A on transcript NM_001127222.2 (MANE Select); coding-DNA position 3728, G replaced by A.
Protein change: p.Arg1243His; replaces arginine 1243 with histidine.
Molecular consequence: missense variant.
Genome position (GRCh38, 1-based): chr19:13,283,361, C>T on the plus strand (G>A on the coding strand, the complement: CACNA1A is on the minus strand). VCF-style: chr19-13283361-C-T. GRCh37 (hg19) VCF-style: chr19-13394175-C-T.
Other names: c.3740G>A, p.Arg1247His (NM_000068.4, NM_023035.3); c.3731G>A, p.Arg1244His (NM_001127221.2, NM_001174080.2); short protein forms R1243H, R1244H, R1247H.
Identifiers: ClinVar variation 2503178 (VCV002503178.3), dbSNP rs2512840917, ClinGen allele CA404340736.